The following is an entry in ClinVar:

NM_016302.4(CRBN):c.835+1G>A

Gene: CRBN (cereblon; minus strand). Cytogenetic location: 3p26.2.
Variant type: single nucleotide variant.
Coding change: c.835+1G>A on transcript NM_016302.4 (MANE Select); the canonical splice donor site of the intron after coding-DNA position 835, G replaced by A.
Molecular consequence: splice donor variant.
Genome position (GRCh38, 1-based): chr3:3,154,746, C>T on the plus strand (G>A on the coding strand, the complement: CRBN is on the minus strand). VCF-style: chr3-3154746-C-T. GRCh37 (hg19) VCF-style: chr3-3196430-C-T.
Other names: c.832+1G>A (NM_001173482.1).
Identifiers: ClinVar variation 984705 (VCV000984705.1), dbSNP rs1226252969, ClinGen allele CA351452019.

ClinVar aggregate classification (germline): Pathogenic (1 of 4 stars; one submission).

Conditions:
Intellectual developmental disorder, autosomal recessive 2. Also called: Intellectual disability, autosomal recessive 2; MENTAL RETARDATION, AUTOSOMAL RECESSIVE 2A. Identifiers: Orphanet 88616, MedGen C1843942, MONDO:0011828, OMIM 607417.

Allele frequency attached by ClinVar (database versions not stated): TOPMed 0.00002.
gnomAD v4.1: 1 of 1,559,358 alleles (0.000064%); highest among the groups gnomAD compares: Middle Eastern, 0.017%; no homozygotes.

Submission:

Institute of Human Genetics, University of Leipzig Medical Center
Classification: Pathogenic for Intellectual developmental disorder, autosomal recessive 2. Last evaluated: 2020-03-01. Review status: criteria provided, single submitter. Criteria: ACMG Guidelines, 2015. Collection method: clinical testing. Allele origin: biparental. Inheritance: Autosomal recessive inheritance. Affected: yes.
Comment: Review of the variants reported in Reuter et al., 2017, PMID: 28097321: PVS1,PM2,PM3_Supporting